The following is an entry in ClinVar:

NM_000051.4(ATM):c.8584+10T>C

Genes: ATM (ATM serine/threonine kinase; plus strand), C11orf65 (chromosome 11 open reading frame 65; minus strand). Cytogenetic location: 11q22.3.
Variant type: single nucleotide variant.
Coding change: c.8584+10T>C on transcript NM_000051.4 (MANE Select); 10 bases into the intron after coding-DNA position 8584, T replaced by C.
Molecular consequence: intron variant.
Genome position (GRCh38, 1-based): chr11:108,345,918, T>C. VCF-style: chr11-108345918-T-C. GRCh37 (hg19) VCF-style: chr11-108216645-T-C.
Other names: c.8584+10T>C (NM_001351834.2); c.641-36847A>G (NM_001330368.2); c.695-10626A>G (NM_001351110.2).
Identifiers: ClinVar variation 236789 (VCV000236789.27), dbSNP rs373321041, ClinGen allele CA6266385.

ClinVar aggregate classification (germline): Benign/Likely benign. Review status: criteria provided, multiple submitters, no conflicts (2 of 4 stars). 12 submissions from 12 submitters: Benign (2); Likely benign (8). 2 of the submissions do not count toward it. Last evaluated 2026-01-11.

Conditions:
ATM-related disorder. Also called: ATM-related disorders; ATM-related condition.
Hereditary cancer-predisposing syndrome. Also called: Neoplastic Syndromes, Hereditary; Hereditary neoplastic syndrome; Tumor predisposition; Hereditary Cancer Syndrome. Identifiers: Orphanet 140162, MedGen C0027672, MeSH D009386, MONDO:0015356.
Familial cancer of breast. Also called: hereditary breast carcinoma; Hereditary breast cancer; BREAST CANCER, FAMILIAL. Identifiers: Orphanet 227535, MedGen C0346153, MONDO:0016419, OMIM 114480. Disease mechanism: loss of function.
Ataxia-telangiectasia syndrome (AT). Also called: Ataxia telangiectasia (A-T); Cerebello-oculocutaneous telangiectasia; Immunodeficiency with ataxia telangiectasia; LOUIS-BAR SYNDROME; AT, COMPLEMENTATION GROUP C; ATAXIA-TELANGIECTASIA, FRESNO VARIANT. Identifiers: Orphanet 100, MedGen C0004135, MONDO:0008840, OMIM 208900.

Allele frequency attached by ClinVar (database versions not stated): ESP Exome Variant Server 0.00008; gnomAD 0.00015 and 0.00016; gnomAD exomes 0.00005 and 0.00001; TOPMed 0.00019; ExAC 0.00007.
gnomAD v4.1: 45 of 1,613,400 alleles (0.0028%); highest among the groups gnomAD compares: African/African-American, 0.052%; no homozygotes.

Submissions (12):

Labcorp Genetics (formerly Invitae), Labcorp
Classification: Likely benign for Ataxia-telangiectasia syndrome. Last evaluated: 2026-01-11. Review status: criteria provided, single submitter. Criteria: Invitae Variant Classification Sherloc (09022015). Collection method: clinical testing. Allele origin: germline.

Myriad Genetics, Inc.
Classification: Benign for Familial cancer of breast. Last evaluated: 2024-06-20. Review status: criteria provided, single submitter. Criteria: Myriad Autosomal Dominant, Autosomal Recessive and X-Linked Classification Criteria (2023). Collection method: clinical testing. Allele origin: unknown.
Comment: This variant is considered benign. This variant is intronic and is not expected to impact mRNA splicing. This variant is strongly associated with less severe personal and family histories of cancer, typical for individuals without pathogenic variants in this gene [PMID: 25085752].

Women's Health and Genetics/Laboratory Corporation of America, LabCorp
Classification: Likely benign. Last evaluated: 2023-10-02. Review status: criteria provided, single submitter. Criteria: LabCorp Variant Classification Summary - May 2015. Collection method: clinical testing. Allele origin: germline.

Blueprint Genetics
Classification: Likely benign. Last evaluated: 2022-07-11. Review status: criteria provided, single submitter. Criteria: ACMG Guidelines, 2015. Collection method: clinical testing. Allele origin: germline.

Sema4
Classification: Likely benign for Hereditary cancer-predisposing syndrome. Last evaluated: 2020-11-28. Review status: criteria provided, single submitter. Criteria: Sema4 Curation Guidelines. Collection method: curation. Allele origin: germline.

Athena Diagnostics
Classification: Likely benign. Last evaluated: 2020-05-11. Review status: criteria provided, single submitter. Criteria: Athena Diagnostics Criteria. Collection method: clinical testing. Allele origin: unknown.

Quest Diagnostics Nichols Institute San Juan Capistrano
Classification: Likely benign. Last evaluated: 2020-05-11. Review status: criteria provided, single submitter. Criteria: Quest Diagnostics criteria. Collection method: clinical testing. Allele origin: unknown.

Genetic Services Laboratory, University of Chicago
Classification: Likely benign. Last evaluated: 2018-11-28. Review status: criteria provided, single submitter. Criteria: ACMG Guidelines, 2015. Collection method: clinical testing. Allele origin: germline. Affected: no.

Color Diagnostics, LLC DBA Color Health
Classification: Likely benign for Hereditary cancer-predisposing syndrome. Last evaluated: 2016-05-10. Review status: criteria provided, single submitter. Criteria: ACMG Guidelines, 2015. Collection method: clinical testing. Allele origin: germline.

GeneDx
Classification: Benign. Last evaluated: 2015-07-14. Review status: criteria provided, single submitter. Criteria: GeneDx Variant Classification (06012015). Collection method: clinical testing. Allele origin: germline. Affected: yes.
Comment: This variant is considered likely benign or benign based on one or more of the following criteria: it is a conservative change, it occurs at a poorly conserved position in the protein, it is predicted to be benign by multiple in silico algorithms, and/or has population frequency not consistent with disease.

PreventionGenetics, part of Exact Sciences
Classification: Likely benign for ATM-related condition. Last evaluated: 2019-09-26. Review status: no assertion criteria provided. Collection method: clinical testing. Allele origin: germline. Not counted in ClinVar's aggregate classification.
Comment: This variant is classified as likely benign based on ACMG/AMP sequence variant interpretation guidelines (Richards et al. 2015 PMID: 25741868, with internal and published modifications).

Counsyl
Classification: Likely benign for Ataxia-telangiectasia syndrome. Last evaluated: 2017-05-24. Review status: no assertion criteria provided. Collection method: clinical testing. Allele origin: unknown. Not counted in ClinVar's aggregate classification.

Literature cited by the submitters: PubMed 25085752 (cited by Myriad Genetics, Inc.).